The following is an entry in ClinVar:

ClinVar aggregate classification (germline): Uncertain significance (1 of 4 stars; one submission).

Conditions:
Inborn genetic diseases. Identifiers: MedGen C0950123, MeSH D030342.

Submission:

Ambry Genetics
Classification: Uncertain significance for Inborn genetic diseases. Last evaluated: 2025-12-10. Review status: criteria provided, single submitter. Criteria: Ambry Variant Classification Scheme 2023. Collection method: clinical testing. Allele origin: germline.
Comment: The p.D690Y variant (also known as c.2068G>T), located in coding exon 13 of the ASXL1 gene, results from a G to T substitution at nucleotide position 2068. The aspartic acid at codon 690 is replaced by tyrosine, an amino acid with highly dissimilar properties. This amino acid position is conserved. In addition, the in silico prediction for this alteration is inconclusive. Based on the available evidence, the clinical significance of this variant remains unclear.

NM_015338.6(ASXL1):c.2068G>T (p.Asp690Tyr)

Gene: ASXL1 (ASXL transcriptional regulator 1; plus strand). Cytogenetic location: 20q11.21.
Variant type: single nucleotide variant.
Coding change: c.2068G>T on transcript NM_015338.6 (MANE Select); coding-DNA position 2068, G replaced by T.
Protein change: p.Asp690Tyr; replaces aspartic acid 690 with tyrosine.
Molecular consequence: missense variant.
Genome position (GRCh38, 1-based): chr20:32,434,780, G>T. VCF-style: chr20-32434780-G-T. GRCh37 (hg19) VCF-style: chr20-31022583-G-T.
Other names: c.1885G>T, p.Asp629Tyr (NM_001363734.1); short protein forms D629Y, D690Y.
Identifiers: ClinVar variation 4589061 (VCV004589061.1).